The following is an entry in ClinVar:

NM_000733.4(CD3E):c.353-1G>A

Gene: CD3E (CD3 epsilon subunit of T-cell receptor complex; plus strand). Cytogenetic location: 11q23.3.
Variant type: single nucleotide variant.
Coding change: c.353-1G>A on transcript NM_000733.4 (MANE Select); the canonical splice acceptor site of the intron before coding-DNA position 353, G replaced by A.
Molecular consequence: splice acceptor variant.
Genome position (GRCh38, 1-based): chr11:118,313,706, G>A. VCF-style: chr11-118313706-G-A. GRCh37 (hg19) VCF-style: chr11-118184421-G-A.
Identifiers: ClinVar variation 2700001 (VCV002700001.3), dbSNP rs2496836773, ClinGen allele CA382783492.
Genomic context (GRCh38, chr11:118,313,706, plus strand): 5'-TCCAGCGCCTTGTGTTTTCCTTGCTTAGTGATTTCCCCTCTCCCCACCCCACCCCCCACA[G>A]TGTGTGAGAACTGCATGGAGATGGATGTGATGTCGGTGGCCACAATTGTCATAGTGGACA-3'

ClinVar aggregate classification (germline): Likely pathogenic (1 of 4 stars; one submission).

Conditions:
Immunodeficiency 18 (IMD18). Also called: CD3-EPSILON DEFICIENCY; CD3epsilon deficiency. Identifiers: MedGen C3810127, MONDO:0014278, OMIM 615615.

Submission:

Labcorp Genetics (formerly Invitae), Labcorp
Classification: Likely pathogenic for Immunodeficiency 18. Last evaluated: 2024-01-09. Review status: criteria provided, single submitter. Criteria: Invitae Variant Classification Sherloc (09022015). Collection method: clinical testing. Allele origin: germline.
Comment: This sequence change affects an acceptor splice site in intron 6 of the CD3E gene. It is expected to disrupt RNA splicing. Variants that disrupt the donor or acceptor splice site typically lead to a loss of protein function (PMID: 16199547), and loss-of-function variants in CD3E are known to be pathogenic (PMID: 8490660, 15546002). This variant is not present in population databases (gnomAD no frequency). This variant has not been reported in the literature in individuals affected with CD3E-related conditions. Algorithms developed to predict the effect of sequence changes on RNA splicing suggest that this variant may disrupt the consensus splice site. In summary, the currently available evidence indicates that the variant is pathogenic, but additional data are needed to prove that conclusively. Therefore, this variant has been classified as Likely Pathogenic.

Literature cited by the submitters: PubMed 16199547; PubMed 8490660; PubMed 15546002.